The following is an entry in ClinVar:

NM_022124.6(CDH23):c.1671C>T (p.Asn557=)

Gene: CDH23 (cadherin related 23; plus strand). Cytogenetic location: 10q22.1.
Variant type: single nucleotide variant.
Coding change: c.1671C>T on transcript NM_022124.6 (MANE Select); coding-DNA position 1671, C replaced by T.
Protein change: p.Asn557=; no amino-acid change (asparagine 557 retained).
Molecular consequence: synonymous variant.
Genome position (GRCh38, 1-based): chr10:71,677,612, C>T. VCF-style: chr10-71677612-C-T. GRCh37 (hg19) VCF-style: chr10-73437369-C-T.
Other names: c.1671C>T, p.Asn557= (NM_001171930.2, NM_001171931.2).
Identifiers: ClinVar variation 755056 (VCV000755056.12), dbSNP rs368162217, ClinGen allele CA5543921.

ClinVar aggregate classification (germline): Likely benign. Review status: criteria provided, multiple submitters, no conflicts (2 of 4 stars). 2 submissions from 2 submitters: Likely benign (2). Last evaluated 2026-04-01.

Allele frequency attached by ClinVar (database versions not stated): TOPMed 0.00001; ExAC 0.00003; gnomAD exomes 0.00003; ESP Exome Variant Server 0.00008.
gnomAD v4.1: 20 of 1,603,620 alleles (0.0012%); highest among the groups gnomAD compares: Admixed American, 0.0068%; no homozygotes.

Submissions (2):

CeGaT Center for Human Genetics Tuebingen
Classification: Likely benign. Last evaluated: 2026-04-01. Review status: criteria provided, single submitter. Criteria: CeGaT Center For Human Genetics Tuebingen Variant Classification Criteria Version 2. Collection method: clinical testing. Allele origin: germline. Affected: yes. Observed: 1 variant allele.
Comment: CDH23: BP4, BP7

Labcorp Genetics (formerly Invitae), Labcorp
Classification: Likely benign. Last evaluated: 2025-11-04. Review status: criteria provided, single submitter. Criteria: Invitae Variant Classification Sherloc (09022015). Collection method: clinical testing. Allele origin: germline.